The following is an entry in ClinVar:

NM_004937.3(CTNS):c.588C>A (p.Asn196Lys)

Genes: CTNS (cystinosin, lysosomal cystine transporter; plus strand), CTNS-AS1 (CTNS antisense RNA 1; minus strand). Cytogenetic location: 17p13.2.
Variant type: single nucleotide variant.
Coding change: c.588C>A on transcript NM_004937.3 (MANE Select); coding-DNA position 588, C replaced by A.
Protein change: p.Asn196Lys; replaces asparagine 196 with lysine.
Molecular consequence: missense variant.
Genome position (GRCh38, 1-based): chr17:3,656,702, C>A. VCF-style: chr17-3656702-C-A. GRCh37 (hg19) VCF-style: chr17-3559996-C-A.
Other names: c.588C>A, p.Asn196Lys (NM_001031681.3, NM_001374492.1); c.147C>A, p.Asn49Lys (NM_001374493.1, NM_001374494.1, NM_001374495.1 and 1 more transcripts); short protein forms N196K, N49K.
Identifiers: ClinVar variation 2159989 (VCV002159989.2), dbSNP rs757955245, ClinGen allele CA397691498.

ClinVar aggregate classification (germline): Uncertain significance (1 of 4 stars; one submission).

Conditions:
Inborn genetic diseases. Identifiers: MedGen C0950123, MeSH D030342.
Ocular cystinosis. Also called: Non-Nephropathic Cystinosis; Non-Nephropathic (Ocular) Cystinosis. Identifiers: Orphanet 213, Orphanet 411641, MedGen C2931013, MONDO:0009064, OMIM 219750.
Juvenile nephropathic cystinosis. Also called: Intermediate Cystinosis; CYSTINOSIS, LATE-ONSET JUVENILE OR ADOLESCENT NEPHROPATHIC TYPE; Later-Onset (Juvenile) Cystinosis. Identifiers: Orphanet 213, Orphanet 411634, MedGen C0268626, MONDO:0009066, OMIM 219900.

Allele frequency attached by ClinVar (database versions not stated): TOPMed 0.00001.
gnomAD v4.1: 1 of 1,613,336 alleles (0.000062%); highest among the groups gnomAD compares: Non-Finnish European, 0.000085%; no homozygotes.

Submission:

Labcorp Genetics (formerly Invitae), Labcorp
Classification: Uncertain significance for Inborn genetic diseases; Ocular cystinosis; Juvenile nephropathic cystinosis. Last evaluated: 2022-08-12. Review status: criteria provided, single submitter. Criteria: Invitae Variant Classification Sherloc (09022015). Collection method: clinical testing. Allele origin: germline.
Comment: This sequence change replaces asparagine, which is neutral and polar, with lysine, which is basic and polar, at codon 196 of the CTNS protein (p.Asn196Lys). In summary, the available evidence is currently insufficient to determine the role of this variant in disease. Therefore, it has been classified as a Variant of Uncertain Significance. Algorithms developed to predict the effect of sequence changes on RNA splicing suggest that this variant may create or strengthen a splice site. Advanced modeling of protein sequence and biophysical properties (such as structural, functional, and spatial information, amino acid conservation, physicochemical variation, residue mobility, and thermodynamic stability) performed at Invitae indicates that this missense variant is not expected to disrupt CTNS protein function. This variant has not been reported in the literature in individuals affected with CTNS-related conditions. This variant is not present in population databases (gnomAD no frequency).